The following is an entry in ClinVar:

ClinVar aggregate classification (germline): Conflicting classifications of pathogenicity. Review status: criteria provided, conflicting classifications (1 of 4 stars). 3 submissions from 3 submitters: Likely pathogenic (2); Uncertain significance (1). Last evaluated 2024-06-26.

Conditions:
3-methylglutaconic aciduria with deafness, encephalopathy, and Leigh-like syndrome (MEGDEL). Also called: SERAC1 Deficiency; 3-METHYLGLUTACONIC ACIDURIA, TYPE VI; MEGDEL syndrome. Identifiers: Orphanet 352328, MedGen C4040739, MONDO:0013875, OMIM 614739.

Allele frequency attached by ClinVar (database versions not stated): ExAC 0.00002; gnomAD exomes 0.00002 and 0.00004; TOPMed 0.00004.

Submissions (3):

GeneDx
Classification: Likely pathogenic. Last evaluated: 2024-06-26. Review status: criteria provided, single submitter. Criteria: GeneDx Variant Classification Process June 2021. Collection method: clinical testing. Allele origin: germline. Affected: yes.
Comment: Frameshift variant predicted to result in abnormal protein length as the last 67 amino acids are replaced with 10 different amino acids, and other similar variants have been reported in HGMD; Has not been previously published as pathogenic or benign to our knowledge

Labcorp Genetics (formerly Invitae), Labcorp
Classification: Uncertain significance for 3-methylglutaconic aciduria with deafness, encephalopathy, and Leigh-like syndrome. Last evaluated: 2022-07-29. Review status: criteria provided, single submitter. Criteria: Invitae Variant Classification Sherloc (09022015). Collection method: clinical testing. Allele origin: germline.
Comment: This sequence change creates a premature translational stop signal (p.Val588Glyfs*11) in the SERAC1 gene. While this is not anticipated to result in nonsense mediated decay, it is expected to disrupt the last 67 amino acid(s) of the SERAC1 protein. This variant is present in population databases (rs770661156, gnomAD 0.03%). This premature translational stop signal has been observed in individual(s) with features of MEGDEL syndrome (Invitae). ClinVar contains an entry for this variant (Variation ID: 1031004). This variant disrupts the C-terminus of the SERAC1 protein. Other variant(s) that disrupt this region (p.Ile617Thrfs*6, p.Q642*) have been observed in individuals with SERAC1-related conditions (PMID: 22683713, 27604308). This suggests that this may be a clinically significant region of the protein. In summary, the available evidence is currently insufficient to determine the role of this variant in disease. Therefore, it has been classified as a Variant of Uncertain Significance.

Baylor Genetics
Classification: Likely pathogenic for 3-methylglutaconic aciduria with deafness, encephalopathy, and Leigh-like syndrome. Review status: criteria provided, single submitter. Criteria: ACMG Guidelines, 2015. Collection method: clinical testing. Allele origin: unknown.

Literature cited by the submitters: PubMed 22683713 (cited by Labcorp Genetics (formerly Invitae), Labcorp); PubMed 27604308 (cited by Labcorp Genetics (formerly Invitae), Labcorp).

NM_032861.4(SERAC1):c.1763del (p.Val588fs)

Gene: SERAC1 (serine active site containing 1; minus strand). Cytogenetic location: 6q25.3.
Variant type: Deletion.
Coding change: c.1763del on transcript NM_032861.4 (MANE Select); coding-DNA position 1763, one base deleted (T; older notation c.1763delT).
Protein change: p.Val588fs; shifts the reading frame from valine 588.
Molecular consequence: frameshift variant.
Genome position (GRCh38, 1-based): chr6:158,113,514, A deleted on the plus strand (T on the coding strand, the reverse complement: SERAC1 is on the minus strand). VCF-style (leftmost placement, unchanged base first): chr6-158113513-CA-C. GRCh37 (hg19) VCF-style: chr6-158534545-CA-C.
Other names: c.1763delT (NM_032861.3); short protein forms V588fs.
Identifiers: ClinVar variation 1031004 (VCV001031004.12), dbSNP rs770661156, ClinGen allele CA4070941.